The following is an entry in ClinVar:

NM_000135.4(FANCA):c.4232C>T (p.Pro1411Leu)

Genes: ZNF276 (zinc finger protein 276; plus strand), FANCA (FA complementation group A; minus strand). Cytogenetic location: 16q24.3.
Variant type: single nucleotide variant.
Coding change: c.4232C>T on transcript NM_000135.4 (MANE Select); coding-DNA position 4232, C replaced by T.
Protein change: p.Pro1411Leu; replaces proline 1411 with leucine.
Molecular consequence: missense variant. On other transcripts: synonymous variant (1), 3 prime UTR variant (2), non-coding transcript variant (4).
Genome position (GRCh38, 1-based): chr16:89,738,910, G>A on the plus strand (C>T on the coding strand, the complement: FANCA is on the minus strand). VCF-style: chr16-89738910-G-A. GRCh37 (hg19) VCF-style: chr16-89805318-G-A.
Other names: c.4236C>T, p.Pro1412= (NM_001286167.3); c.*664G>A (NM_001113525.2, NM_152287.4); short protein forms P1411L.
Identifiers: ClinVar variation 554240 (VCV000554240.18), dbSNP rs201494304, ClinGen allele CA8250681.
Genomic context (GRCh38, chr16:89,738,910, plus strand): 5'-CACATGGCCCAAGGTGGGCATCTTGACGTTACCTCTGCCACGTGTGAGAAGCTCTTTTTC[G>A]GGCACCGAGGTATTAACTGCAGCAGAAAAAGACGAGCTTTTGTTATCAGTTCCACGGGGT-3'
Protein context (NP_000126.2, residues 1401-1421): LFLLQLIPRC[Pro1411Leu]KKSFSHVAEL

ClinVar aggregate classification (germline): Conflicting classifications of pathogenicity. Review status: criteria provided, conflicting classifications (1 of 4 stars). 7 submissions from 7 submitters: Likely pathogenic (1); Uncertain significance (2); Likely benign (1). 3 of the submissions do not count toward it. Last evaluated 2026-01-24.

Conditions:
Microcephaly. Also called: Microcephaly (disease). Identifiers: MedGen C4551563, MONDO:0001149, HP:0000252.
Fanconi anemia complementation group A (FANCA). Also called: FANCA-Related Fanconi Anemia; Fanconi anemia, group A. Identifiers: Orphanet 84, MedGen C3469521, MONDO:0009215, OMIM 227650.
Ovarian cancer. Also called: OVARIAN CANCER, SOMATIC. Identifiers: Orphanet 213500, MedGen C1140680, MONDO:0008170, OMIM 167000.
Fanconi anemia (FA). Also called: Fanconi's anemia. Identifiers: Orphanet 84, MedGen C0015625, MeSH D005199, MONDO:0019391.

Allele frequency attached by ClinVar (database versions not stated): gnomAD 0.00006 and 0.00007; TOPMed 0.00009; ExAC 0.00013; 1000 Genomes Project 30x 0.00016; 1000 Genomes Project 0.00020.
gnomAD v4.1: 95 of 1,614,228 alleles (0.0059%); highest among the groups gnomAD compares: East Asian, 0.13%; no homozygotes.

Submissions (7):

Labcorp Genetics (formerly Invitae), Labcorp
Classification: Likely benign for Fanconi anemia. Last evaluated: 2026-01-24. Review status: criteria provided, single submitter. Criteria: Invitae Variant Classification Sherloc (09022015). Collection method: clinical testing. Allele origin: germline.

Fulgent Genetics
Classification: Uncertain significance for Fanconi anemia complementation group A. Last evaluated: 2024-04-29. Review status: criteria provided, single submitter. Criteria: ACMG Guidelines, 2015. Collection method: clinical testing. Allele origin: germline.

Women's Health and Genetics/Laboratory Corporation of America, LabCorp
Classification: Uncertain significance. Last evaluated: 2023-12-15. Review status: criteria provided, single submitter. Criteria: LabCorp Variant Classification Summary - May 2015. Collection method: clinical testing. Allele origin: germline.
Comment: Variant summary: FANCA c.4232C>T (p.Pro1411Leu) results in a non-conservative amino acid change in the encoded protein sequence. Five of five in-silico tools predict a damaging effect of the variant on protein function. The variant allele was found at a frequency of 9.9e-05 in 251482 control chromosomes. This frequency is not significantly higher than estimated for a pathogenic variant in FANCA causing Fanconi Anemia (9.9e-05 vs 0.0022), allowing no conclusion about variant significance. c.4232C>T has been reported in the literature in an individual affected with breast cancer, without strong evidence for causality (Jalkh_2017), and in a patient with gonadal dysgenesis and microcephaly who was homozgyous for the variant (Mazen_2018). These reports do not provide unequivocal conclusions about association of the variant with Fanconi Anemia. To our knowledge, no experimental evidence demonstrating an impact on protein function has been reported. The following publications have been ascertained in the context of this evaluation (PMID: 28202063, 30032139). Four clinical diagnostic laboratories have submitted clinical-significance assessments for this variant to ClinVar after 2014 without evidence for independent evaluation. Three submitters classified as VUS while one classified as likely benign. Based on the evidence outlined above, the variant was classified as uncertain significance.

Laboratory of Molecular Epidemiology of Birth Defects, West China Second University Hospital, Sichuan University
Classification: Likely pathogenic for Ovarian cancer. Last evaluated: 2022-01-01. Review status: criteria provided, single submitter. Criteria: ACMG Guidelines, 2015. Collection method: clinical testing. Allele origin: germline. Affected: yes.

Natera, Inc.
Classification: Uncertain significance for Fanconi anemia. Last evaluated: 2020-02-04. Review status: no assertion criteria provided. Collection method: clinical testing. Allele origin: germline. Not counted in ClinVar's aggregate classification.

Counsyl
Classification: Uncertain significance for Fanconi anemia complementation group A. Last evaluated: 2017-10-02. Review status: no assertion criteria provided. Collection method: clinical testing. Allele origin: unknown. Not counted in ClinVar's aggregate classification.

Department of Pediatrics, Samsung Medical Center, Samsung Medical Center
Classification: Uncertain significance for Microcephaly. Review status: no assertion criteria provided. Criteria: ACMG Guidelines, 2015. Collection method: research. Allele origin: germline. Affected: yes. Not counted in ClinVar's aggregate classification.

Literature cited by the submitters: PubMed 28202063 (cited by Women's Health and Genetics/Laboratory Corporation of America, LabCorp); PubMed 30032139 (cited by Women's Health and Genetics/Laboratory Corporation of America, LabCorp).